The following is an entry in ClinVar:

NM_004329.3(BMPR1A):c.430+12G>A

Gene: BMPR1A (bone morphogenetic protein receptor type 1A; plus strand). Cytogenetic location: 10q23.2.
Variant type: single nucleotide variant.
Coding change: c.430+12G>A on transcript NM_004329.3 (MANE Select); 12 bases into the intron after coding-DNA position 430, G replaced by A.
Molecular consequence: intron variant.
Genome position (GRCh38, 1-based): chr10:86,899,902, G>A. VCF-style: chr10-86899902-G-A. GRCh37 (hg19) VCF-style: chr10-88659659-G-A.
Identifiers: ClinVar variation 385532 (VCV000385532.13), dbSNP rs201530603, ClinGen allele CA5585509.

ClinVar aggregate classification (germline): Likely benign. Review status: criteria provided, multiple submitters, no conflicts (2 of 4 stars). 5 submissions from 5 submitters: Likely benign (4). 1 of the submissions does not count toward it. Last evaluated 2026-01-28.

Conditions:
Juvenile polyposis syndrome (JPS). Identifiers: Orphanet 2929, MedGen C0345893, MONDO:0017380, OMIM 174900.
Malignant tumor of breast. Also called: Malignant breast neoplasm; Cancer breast. Identifiers: MedGen C0006142, MONDO:0007254. Disease mechanism: loss of function.
Hereditary cancer-predisposing syndrome. Also called: Tumor predisposition; Neoplastic Syndromes, Hereditary; Hereditary neoplastic syndrome; Hereditary Cancer Syndrome. Identifiers: Orphanet 140162, MedGen C0027672, MeSH D009386, MONDO:0015356.

Allele frequency attached by ClinVar (database versions not stated): gnomAD 0.00001; gnomAD exomes 0.00001 and 0.00002; ExAC 0.00002; TOPMed 0.00002; 1000 Genomes Project 30x 0.00016; 1000 Genomes Project 0.00020.
gnomAD v4.1: 25 of 1,613,126 alleles (0.0015%); highest among the groups gnomAD compares: Middle Eastern, 0.017%; no homozygotes.

Submissions (5):

Labcorp Genetics (formerly Invitae), Labcorp
Classification: Likely benign for Juvenile polyposis syndrome. Last evaluated: 2026-01-28. Review status: criteria provided, single submitter. Criteria: Invitae Variant Classification Sherloc (09022015). Collection method: clinical testing. Allele origin: germline.

Blueprint Genetics
Classification: Likely benign. Last evaluated: 2024-04-11. Review status: criteria provided, single submitter. Criteria: ACMG Guidelines, 2015. Collection method: clinical testing. Allele origin: germline.

Color Diagnostics, LLC DBA Color Health
Classification: Likely benign for Hereditary cancer-predisposing syndrome. Last evaluated: 2017-04-11. Review status: criteria provided, single submitter. Criteria: ACMG Guidelines, 2015. Collection method: clinical testing. Allele origin: germline.

GeneDx
Classification: Likely benign. Last evaluated: 2016-04-11. Review status: criteria provided, single submitter. Criteria: GeneDx Variant Classification (06012015). Collection method: clinical testing. Allele origin: germline. Affected: yes.
Comment: This variant is considered likely benign or benign based on one or more of the following criteria: it is a conservative change, it occurs at a poorly conserved position in the protein, it is predicted to be benign by multiple in silico algorithms, and/or has population frequency not consistent with disease.

Department of Pathology and Laboratory Medicine, Sinai Health System
Classification: Likely benign for Malignant tumor of breast. Review status: no assertion criteria provided. Collection method: clinical testing. Allele origin: unknown. Affected: yes. Study: The Canadian Open Genetics Repository (COGR). Not counted in ClinVar's aggregate classification.
Comment: The BMPR1A c.430+12G>A variant was not identified in the literature nor was it identified in the LOVD 3.0, databases. The variant was identified in dbSNP (rs201530603) as â€šÃ„Ãºwith likely benign alleleâ€šÃ„Ã¹ ClinVar (interpreted as "likely benign" by Color and GeneDx). The variant was identified in control databases in 4 of 277,140 chromosomes at a frequency of 0.00001 (Genome Aggregation Database Feb 27, 2017). The variant was observed in the following populations: European in 3 of 126,638 chromosomes (freq: 0.00002), East Asian in 1 of 18866 chromosomes (freq: 0.00005); it was not observed in the African, Other, Latino, Ashkenazi Jewish, Finnish and South Asian populations. The variant occurs at a non-conserved nucleotide outside of the consensus splicing sequence and in silico or computational prediction software programs (SpliceSiteFinder, MaxEntScan, NNSPLICE, GeneSplicer) do not predict a difference in splicing. In summary, based on the above information the clinical significance of this variant cannot be determined with certainty at this time although we would lean towards a more benign role for this variant. This variant is classified as likely benign.